The following is an entry in ClinVar:

ClinVar aggregate classification (germline): Uncertain significance. Review status: criteria provided, multiple submitters, no conflicts (2 of 4 stars). 3 submissions from 3 submitters: Uncertain significance (3). Last evaluated 2024-04-19.

Conditions:
Inborn genetic diseases. Identifiers: MedGen C0950123, MeSH D030342.
Hypersulfaturia (HYSULF). Identifiers: MedGen C5830511, MONDO:0957268, OMIM 620372.
Nephrolithiasis susceptibility caused by SLC26A1 (CAON1). Also called: NEPHROLITHIASIS, CALCIUM OXALATE, 1. Identifiers: MedGen C5779632, MONDO:0020722, OMIM 167030.

Allele frequency attached by ClinVar (database versions not stated): gnomAD exomes 0.00001 and 0.00002; ExAC 0.00003; ESP Exome Variant Server 0.00008; gnomAD 0.00010 and 0.00011; TOPMed 0.00017.
gnomAD v4.1: 31 of 1,611,494 alleles (0.0019%); highest among the groups gnomAD compares: African/African-American, 0.036%; no homozygotes.

Submissions (3):

Fulgent Genetics
Classification: Uncertain significance for Nephrolithiasis susceptibility caused by SLC26A1; Hypersulfaturia. Last evaluated: 2024-04-19. Review status: criteria provided, single submitter. Criteria: ACMG Guidelines, 2015. Collection method: clinical testing. Allele origin: germline.

Ambry Genetics
Classification: Uncertain significance for Inborn genetic diseases. Last evaluated: 2024-04-15. Review status: criteria provided, single submitter. Criteria: Ambry Variant Classification Scheme 2023. Collection method: clinical testing. Allele origin: germline.

Labcorp Genetics (formerly Invitae), Labcorp
Classification: Uncertain significance. Last evaluated: 2020-04-29. Review status: criteria provided, single submitter. Criteria: Invitae Variant Classification Sherloc (09022015). Collection method: clinical testing. Allele origin: germline.
Comment: In summary, the available evidence is currently insufficient to determine the role of this variant in disease. Therefore, it has been classified as a Variant of Uncertain Significance. Algorithms developed to predict the effect of missense changes on protein structure and function output the following: SIFT: "Tolerated"; PolyPhen-2: "Benign"; Align-GVGD: "Class C0". The glutamic acid amino acid residue is found in multiple mammalian species, suggesting that this missense change does not adversely affect protein function. These predictions have not been confirmed by published functional studies and their clinical significance is uncertain. This variant has not been reported in the literature in individuals with SLC26A1-related conditions. This variant is present in population databases (rs377629899, ExAC 0.03%). This sequence change replaces glycine with glutamic acid at codon 156 of the SLC26A1 protein (p.Gly156Glu). The glycine residue is moderately conserved and there is a moderate physicochemical difference between glycine and glutamic acid.

NM_022042.4(SLC26A1):c.467G>A (p.Gly156Glu)

Genes: SLC26A1 (solute carrier family 26 member 1; minus strand), IDUA (alpha-L-iduronidase; plus strand). Cytogenetic location: 4p16.3.
Variant type: single nucleotide variant.
Coding change: c.467G>A on transcript NM_022042.4 (MANE Select); coding-DNA position 467, G replaced by A.
Protein change: p.Gly156Glu; replaces glycine 156 with glutamic acid.
Molecular consequence: missense variant. On other transcripts: intron variant (1).
Genome position (GRCh38, 1-based): chr4:991,237, C>T on the plus strand (G>A on the coding strand, the complement: SLC26A1 is on the minus strand). VCF-style: chr4-991237-C-T. GRCh37 (hg19) VCF-style: chr4-985025-C-T.
Other names: c.467G>A, p.Gly156Glu (NM_134425.4, NM_213613.4); c.299+3288C>T (NM_000203.5); short protein forms G156E.
Identifiers: ClinVar variation 1009503 (VCV001009503.10), dbSNP rs377629899, ClinGen allele CA2801658.